The following is an entry in ClinVar:

ClinVar aggregate classification (germline): Uncertain significance (1 of 4 stars; one submission).

Conditions:
Inborn genetic diseases. Identifiers: MedGen C0950123, MeSH D030342.

Submission:

Ambry Genetics
Classification: Uncertain significance for Inborn genetic diseases. Last evaluated: 2025-10-28. Review status: criteria provided, single submitter. Criteria: Ambry Variant Classification Scheme 2023. Collection method: clinical testing. Allele origin: germline.
Comment: The p.D117N variant (also known as c.349G>A), located in coding exon 3 of the ELANE gene, results from a G to A substitution at nucleotide position 349. The aspartic acid at codon 117 is replaced by asparagine, an amino acid with highly similar properties. This amino acid position is conserved. In addition, the in silico prediction for this alteration is inconclusive. Based on the available evidence, the clinical significance of this variant remains unclear.

NM_001972.4(ELANE):c.349G>A (p.Asp117Asn)

Gene: ELANE (elastase, neutrophil expressed; plus strand). Cytogenetic location: 19p13.3.
Variant type: single nucleotide variant.
Coding change: c.349G>A on transcript NM_001972.4 (MANE Select); coding-DNA position 349, G replaced by A.
Protein change: p.Asp117Asn; replaces aspartic acid 117 with asparagine.
Molecular consequence: missense variant.
Genome position (GRCh38, 1-based): chr19:853,386, G>A. VCF-style: chr19-853386-G-A. GRCh37 (hg19) VCF-style: chr19-853386-G-A.
Other names: short protein forms D117N.
Identifiers: ClinVar variation 4618407 (VCV004618407.1).